The following is an entry in ClinVar:

ClinVar aggregate classification (germline): Pathogenic (1 of 4 stars; one submission).

Conditions:
DeSanto-Shinawi syndrome due to WAC point mutation (DESSH). Also called: Facial dysmorphism-developmental delay-behavioral abnormalities syndrome due to WAC point mutation; WAC-Related Intellectual Disability; DEVELOPMENTAL DELAY, BEHAVIORAL ABNORMALITIES, FACIAL DYSMORPHISM, AND OCULAR ABNORMALITIES. Identifiers: Orphanet 284169, Orphanet 466950, MedGen C5681129, MONDO:0014741, OMIM 616708.

Submission:

Institute of Human Genetics, FAU Erlangen, Friedrich-Alexander-Universität Erlangen-Nürnberg
Classification: Pathogenic for DeSanto-Shinawi syndrome due to WAC point mutation. Last evaluated: 2017-08-01. Review status: criteria provided, single submitter. Criteria: ACMG Guidelines, 2015. Collection method: clinical testing. Allele origin: de novo. Inheritance: Sporadic. Affected: yes. Observed: 1 variant allele, 1 heterozygote.

NM_016628.5(WAC):c.498-2A>G

Gene: WAC (WW domain containing adaptor with coiled-coil; plus strand). Cytogenetic location: 10p12.1.
Variant type: single nucleotide variant.
Coding change: c.498-2A>G on transcript NM_016628.5 (MANE Select); the canonical splice acceptor site of the intron before coding-DNA position 498, A replaced by G.
Molecular consequence: splice acceptor variant.
Genome position (GRCh38, 1-based): chr10:28,590,718, A>G. VCF-style: chr10-28590718-A-G. GRCh37 (hg19) VCF-style: chr10-28879647-A-G.
Other names: c.363-2A>G (NM_100264.3); c.498-2A>G (NM_100486.4).
Identifiers: ClinVar variation 431093 (VCV000431093.3), dbSNP rs1135401769, ClinGen allele CA376401553.